The following is an entry in ClinVar:

ClinVar aggregate classification (germline): Uncertain significance (1 of 4 stars; one submission).

Conditions:
Duchenne muscular dystrophy (DMD). Also called: MUSCULAR DYSTROPHY, PSEUDOHYPERTROPHIC PROGRESSIVE, DUCHENNE TYPE; Duchenne Muscular Dystrophy (DMD). Identifiers: Orphanet 98896, MedGen C0013264, MONDO:0010679, OMIM 310200.

Submission:

Labcorp Genetics (formerly Invitae), Labcorp
Classification: Uncertain significance for Duchenne muscular dystrophy. Last evaluated: 2022-08-23. Review status: criteria provided, single submitter. Criteria: Invitae Variant Classification Sherloc (09022015). Collection method: clinical testing. Allele origin: germline.
Comment: This sequence change replaces histidine, which is basic and polar, with glutamine, which is neutral and polar, at codon 3469 of the DMD protein (p.His3469Gln). This variant is not present in population databases (gnomAD no frequency). This variant has not been reported in the literature in individuals affected with DMD-related conditions. Algorithms developed to predict the effect of missense changes on protein structure and function are either unavailable or do not agree on the potential impact of this missense change (SIFT: "Deleterious"; PolyPhen-2: "Benign"; Align-GVGD: "Class C15"). In summary, the available evidence is currently insufficient to determine the role of this variant in disease. Therefore, it has been classified as a Variant of Uncertain Significance.

NM_004006.3(DMD):c.10407T>A (p.His3469Gln)

Gene: DMD (dystrophin; minus strand). Cytogenetic location: Xp21.2.
Variant type: single nucleotide variant.
Coding change: c.10407T>A on transcript NM_004006.3 (MANE Select); coding-DNA position 10407, T replaced by A.
Protein change: p.His3469Gln; replaces histidine 3469 with glutamine.
Molecular consequence: missense variant. On other transcripts: intron variant (2).
Genome position (GRCh38, 1-based): chrX:31,169,589, A>T on the plus strand (T>A on the coding strand, the complement: DMD is on the minus strand). VCF-style: chrX-31169589-A-T. GRCh37 (hg19) VCF-style: chrX-31187706-A-T.
Other names: c.10383T>A, p.His3461Gln (NM_000109.4); c.10395T>A, p.His3465Gln (NM_004009.3); c.10038T>A, p.His3346Gln (NM_004010.3); c.6384T>A, p.His2128Gln (NM_004011.4); c.6375T>A, p.His2125Gln (NM_004012.4); c.3027T>A, p.His1009Gln (NM_004013.3, NM_004021.3); c.2220T>A, p.His740Gln (NM_004014.3); c.1203T>A, p.His401Gln (NM_004015.3, NM_004016.3); and 3 more; short protein forms H2125Q, H401Q, H996Q, H1009Q, H3346Q, H3461Q, H3465Q, H388Q.
Identifiers: ClinVar variation 2088284 (VCV002088284.4), dbSNP rs2039782589, ClinGen allele CA412652053.